The following is an entry in ClinVar:

ClinVar aggregate classification (germline): Pathogenic/Likely pathogenic. Review status: criteria provided, multiple submitters, no conflicts (2 of 4 stars). 2 submissions from 2 submitters: Pathogenic (1); Likely pathogenic (1). Last evaluated 2024-05-28.

Conditions:
Wilson disease (WND). Also called: Wilson's disease. Identifiers: Orphanet 905, MedGen C0019202, MONDO:0010200, OMIM 277900. Disease mechanism: loss of function.

Allele frequency attached by ClinVar (database versions not stated): gnomAD exomes below 0.00001; TOPMed below 0.00001; gnomAD 0.00001.
gnomAD v4.1: 3 of 1,613,736 alleles (0.00019%); highest among the groups gnomAD compares: African/African-American, 0.0027%; no homozygotes.

Submissions (2):

Fulgent Genetics
Classification: Likely pathogenic for Wilson disease. Last evaluated: 2024-05-28. Review status: criteria provided, single submitter. Criteria: ACMG Guidelines, 2015. Collection method: clinical testing. Allele origin: germline.

Labcorp Genetics (formerly Invitae), Labcorp
Classification: Pathogenic for Wilson disease. Last evaluated: 2022-10-28. Review status: criteria provided, single submitter. Criteria: Invitae Variant Classification Sherloc (09022015). Collection method: clinical testing. Allele origin: germline.
Comment: ClinVar contains an entry for this variant (Variation ID: 1475775). For these reasons, this variant has been classified as Pathogenic. Algorithms developed to predict the effect of sequence changes on RNA splicing suggest that this variant may disrupt the consensus splice site. Disruption of this splice site has been observed in individual(s) with Wilson disease (Invitae). This variant is present in population databases (no rsID available, gnomAD 0.003%). This sequence change affects an acceptor splice site in intron 7 of the ATP7B gene. It is expected to disrupt RNA splicing. Variants that disrupt the donor or acceptor splice site typically lead to a loss of protein function (PMID: 16199547), and loss-of-function variants in ATP7B are known to be pathogenic (PMID: 10441329, 16283883).

Literature cited by the submitters: PubMed 16199547 (cited by Labcorp Genetics (formerly Invitae), Labcorp); PubMed 10441329 (cited by Labcorp Genetics (formerly Invitae), Labcorp); PubMed 16283883 (cited by Labcorp Genetics (formerly Invitae), Labcorp).

NM_000053.4(ATP7B):c.2122-1G>C

Gene: ATP7B (ATPase copper transporting beta; minus strand). Cytogenetic location: 13q14.3.
Variant type: single nucleotide variant.
Coding change: c.2122-1G>C on transcript NM_000053.4 (MANE Select); the canonical splice acceptor site of the intron before coding-DNA position 2122, G replaced by C.
Molecular consequence: splice acceptor variant. On other transcripts: intron variant (20).
Genome position (GRCh38, 1-based): chr13:51,958,545, C>G on the plus strand (G>C on the coding strand, the complement: ATP7B is on the minus strand). VCF-style: chr13-51958545-C-G. GRCh37 (hg19) VCF-style: chr13-52532681-C-G.
Other names: c.1870-938G>C (NM_001406541.1, NM_001005918.3, NM_001406546.1 and 1 more transcripts); c.1870-1G>C (NM_001406531.1, NM_001406532.1, NM_001406540.1 and 1 more transcripts); c.2122-938G>C (NM_001406527.1, NM_001406528.1, NM_001406534.1 and 2 more transcripts); c.2122-145G>C (NM_001406537.1, NM_001406521.1, NM_001406522.1 and 1 more transcripts); c.2122-1G>C (NM_001406513.1, NM_001406511.1, NM_001406516.1 and 7 more transcripts); c.1774-1G>C (NM_001406543.1); c.1789-1G>C (NM_001243182.2); c.1286-8384G>C (NM_001406548.1); and 8 more.
Identifiers: ClinVar variation 1475775 (VCV001475775.7), dbSNP rs1319653818, ClinGen allele CA388023592.
Genomic context (GRCh38, chr13:51,958,545, plus strand): 5'-GGCTGACCTGTGTCTCAGAGATTTGTAGGCCTGAACGTAGAAGTACCACCCACCGAGGAG[C>G]TGAAAGACAAGGACAGTGAAGGCTGCCAGCAAGTAGGGAGGAGAGTTCAATGAGCGACAC-3'